The following is an entry in ClinVar:

NM_001369268.1(ACAN):c.941C>A (p.Ala314Asp)

Gene: ACAN (aggrecan; plus strand). Cytogenetic location: 15q26.1.
Variant type: single nucleotide variant.
Coding change: c.941C>A on transcript NM_001369268.1 (MANE Select); coding-DNA position 941, C replaced by A.
Protein change: p.Ala314Asp; replaces alanine 314 with aspartic acid.
Molecular consequence: missense variant.
Genome position (GRCh38, 1-based): chr15:88,843,538, C>A. VCF-style: chr15-88843538-C-A. GRCh37 (hg19) VCF-style: chr15-89386769-C-A.
Other names: c.941C>A, p.Ala314Asp (NM_001135.4, NM_013227.4); short protein forms A314D.
Identifiers: ClinVar variation 1372669 (VCV001372669.8), dbSNP rs772697028, ClinGen allele CA393707875.

ClinVar aggregate classification (germline): Uncertain significance (1 of 4 stars; one submission).

Allele frequency attached by ClinVar (database versions not stated): TOPMed below 0.00001; gnomAD 0.00001.
gnomAD v4.1: 7 of 1,612,620 alleles (0.00043%); highest among the groups gnomAD compares: South Asian, 0.0022%; no homozygotes.

Submission:

Labcorp Genetics (formerly Invitae), Labcorp
Classification: Uncertain significance. Last evaluated: 2024-09-29. Review status: criteria provided, single submitter. Criteria: Invitae Variant Classification Sherloc (09022015). Collection method: clinical testing. Allele origin: germline.
Comment: This sequence change replaces alanine, which is neutral and non-polar, with aspartic acid, which is acidic and polar, at codon 314 of the ACAN protein (p.Ala314Asp). This variant is not present in population databases (gnomAD no frequency). This variant has not been reported in the literature in individuals affected with ACAN-related conditions. ClinVar contains an entry for this variant (Variation ID: 1372669). Invitae Evidence Modeling of protein sequence and biophysical properties (such as structural, functional, and spatial information, amino acid conservation, physicochemical variation, residue mobility, and thermodynamic stability) indicates that this missense variant is not expected to disrupt ACAN protein function with a negative predictive value of 80%. In summary, the available evidence is currently insufficient to determine the role of this variant in disease. Therefore, it has been classified as a Variant of Uncertain Significance.